The following is an entry in ClinVar:

NM_001003722.2(GLE1):c.1149_1153del (p.Gln383fs)

Gene: GLE1 (GLE1 RNA export mediator; plus strand). Cytogenetic location: 9q34.11.
Variant type: Deletion.
Coding change: c.1149_1153del on transcript NM_001003722.2 (MANE Select); coding-DNA positions 1149 to 1153, 5 bases deleted (AGACA; older notation c.1149_1153delAGACA).
Protein change: p.Gln383fs; shifts the reading frame from glutamine 383.
Molecular consequence: frameshift variant.
Genome position (GRCh38, 1-based): chr9:128,527,198-128,527,202, AGACA deleted; deleting any 5 consecutive bases within chr9:128,527,195-128,527,202 gives the same sequence; the c. name uses the placement nearest the transcript's 3' end. VCF-style (leftmost placement, unchanged base first): chr9-128527194-TACAAG-T. GRCh37 (hg19) VCF-style: chr9-131289473-TACAAG-T.
Other names: c.1149_1153del, p.Gln383fs (NM_001499.2); short protein forms Q383fs.
Identifiers: ClinVar variation 1072925 (VCV001072925.7), dbSNP rs2132472594, ClinGen allele CA2499219659.

ClinVar aggregate classification (germline): Pathogenic (1 of 4 stars; one submission).

Submission:

Labcorp Genetics (formerly Invitae), Labcorp
Classification: Pathogenic. Last evaluated: 2023-01-15. Review status: criteria provided, single submitter. Criteria: Invitae Variant Classification Sherloc (09022015). Collection method: clinical testing. Allele origin: germline.
Comment: This sequence change creates a premature translational stop signal (p.Gln383Hisfs*21) in the GLE1 gene. It is expected to result in an absent or disrupted protein product. Loss-of-function variants in GLE1 are known to be pathogenic (PMID: 18204449, 24243016, 27684565). This variant is not present in population databases (gnomAD no frequency). This variant has not been reported in the literature in individuals affected with GLE1-related conditions. ClinVar contains an entry for this variant (Variation ID: 1072925). For these reasons, this variant has been classified as Pathogenic.

Literature cited by the submitters: PubMed 18204449; PubMed 24243016; PubMed 27684565.